The following is an entry in ClinVar:

NM_000193.4(SHH):c.664G>A (p.Asp222Asn)

Gene: SHH (sonic hedgehog signaling molecule; minus strand). Cytogenetic location: 7q36.3.
Variant type: single nucleotide variant.
Coding change: c.664G>A on transcript NM_000193.4 (MANE Select); coding-DNA position 664, G replaced by A.
Protein change: p.Asp222Asn; replaces aspartic acid 222 with asparagine.
Molecular consequence: missense variant. On other transcripts: intron variant (1).
Genome position (GRCh38, 1-based): chr7:155,803,625, C>T on the plus strand (G>A on the coding strand, the complement: SHH is on the minus strand). VCF-style: chr7-155803625-C-T. GRCh37 (hg19) VCF-style: chr7-155596319-C-T.
Other names: c.664G>A; c.301+2671G>A (NM_001310462.2); short protein forms D222N.
Identifiers: ClinVar variation 65887 (VCV000065887.4), dbSNP rs587778805, ClinGen allele CA345225.
Genomic context (GRCh38, chr7:155,803,625, plus strand): 5'-GGAAAGTGAGGAAGTCGCTGTAGAGCAGCCGGCCCTGGTCGTCCGCCGCCAGCACGCGGT[C>T]CCCGGGGCTCAGGTCCTTCACCAGCTTGGTGCCGCCCTGCTCCAGGTGCACCGTGGCCGA-3'
Protein context (NP_000184.1, residues 212-232): TKLVKDLSPG[Asp222Asn]RVLAADDQGR

ClinVar aggregate classification (germline): Likely pathogenic. Review status: criteria provided, multiple submitters, no conflicts (2 of 4 stars). 3 submissions from 3 submitters: Likely pathogenic (2). 1 of the submissions does not count toward it. Last evaluated 2025-08-15.

Conditions:
Holoprosencephaly 3 (HPE3). Identifiers: Orphanet 2162, MedGen C1840529, MONDO:0007733, OMIM 142945.

Allele frequency attached by ClinVar (database versions not stated): gnomAD 0.00001.

Submissions (3):

GeneDx
Classification: Likely pathogenic. Last evaluated: 2025-08-15. Review status: criteria provided, single submitter. Criteria: GeneDx Variant Classification Process June 2021. Collection method: clinical testing. Allele origin: germline. Affected: yes.
Comment: Published functional studies demonstrate a damaging effect: impaired auto-processing leading to reduced production of SHH-N (PMID: 15292211); Not observed at significant frequency in large population cohorts (gnomAD); In silico analysis supports that this missense variant has a deleterious effect on protein structure/function; This variant is associated with the following publications: (PMID: 15221788, 10441331, 19603532, 22791840, 15292211, 32939873)

Laboratory of Molecular Genetics, CHU Rennes
Classification: Likely pathogenic for Holoprosencephaly 3. Last evaluated: 2025-02-27. Review status: criteria provided, single submitter. Criteria: ACMG Guidelines, 2015. Collection method: clinical testing. Allele origin: maternal. Inheritance: Oligogenic inheritance. Affected: yes.
Comment: The NM_000193.4:c.664G>A, is a missense variant in SHH in the Hint domain (PM1), absent from controls (PM2), predicted pathogenic by prediction tools (PP3).

GeneReviews
Classification: Pathogenic for Holoprosencephaly. Last evaluated: 2013-08-29. Review status: no assertion criteria provided. Collection method: curation. Allele origin: unknown. Not counted in ClinVar's aggregate classification.
ClinVar note: Converted during submission from pathologic to Pathogenic.